The following is an entry in ClinVar:

NM_003954.5(MAP3K14):c.2292C>T (p.Thr764=)

Genes: MAP3K14 (mitogen-activated protein kinase kinase kinase 14; minus strand), MAP3K14-AS1 (MAP3K14 antisense RNA 1; plus strand), LOC126862575 (CDK7 strongly-dependent group 2 enhancer GRCh37_chr17:43344006-43345205; plus strand). Cytogenetic location: 17q21.31.
Variant type: single nucleotide variant.
Coding change: c.2292C>T on transcript NM_003954.5 (MANE Select); coding-DNA position 2292, C replaced by T.
Protein change: p.Thr764=; no amino-acid change (threonine 764 retained).
Molecular consequence: synonymous variant.
Genome position (GRCh38, 1-based): chr17:45,267,440, G>A on the plus strand (C>T on the coding strand, the complement: MAP3K14 is on the minus strand). VCF-style: chr17-45267440-G-A. GRCh37 (hg19) VCF-style: chr17-43344807-G-A.
Other names: c.2292C>T, p.Thr764= (LRG_1222t1).
Identifiers: ClinVar variation 544334 (VCV000544334.10), dbSNP rs746706058, ClinGen allele CA8613919.

ClinVar aggregate classification (germline): Likely benign. Review status: criteria provided, multiple submitters, no conflicts (2 of 4 stars). 2 submissions from 2 submitters: Likely benign (2). Last evaluated 2026-09-01.

Conditions:
NIK deficiency. Also called: Primary immunodeficiency with multifaceted aberrant lymphoid immunity. Identifiers: Orphanet 447731, MedGen C5680065, MONDO:0018642.

Allele frequency attached by ClinVar (database versions not stated): gnomAD 0.00001; TOPMed 0.00001; gnomAD exomes 0.00002; ExAC 0.00003.
gnomAD v4.1: 13 of 1,606,086 alleles (0.00081%); highest among the groups gnomAD compares: Middle Eastern, 0.034%; no homozygotes.

Submissions (2):

CeGaT Center for Human Genetics Tuebingen
Classification: Likely benign. Last evaluated: 2026-09-01. Review status: criteria provided, single submitter. Criteria: CeGaT Center For Human Genetics Tuebingen Variant Classification Criteria Version 2. Collection method: clinical testing. Allele origin: germline. Affected: yes. Observed: 1 variant allele.
Comment: MAP3K14: BP4, BP7

Labcorp Genetics (formerly Invitae), Labcorp
Classification: Likely benign for NIK deficiency. Last evaluated: 2025-03-20. Review status: criteria provided, single submitter. Criteria: Invitae Variant Classification Sherloc (09022015). Collection method: clinical testing. Allele origin: germline.